The following is an entry in ClinVar:

ClinVar aggregate classification (germline): Pathogenic. Review status: criteria provided, multiple submitters, no conflicts (2 of 4 stars). 2 submissions from 2 submitters: Pathogenic (2). Last evaluated 2024-09-01.

Conditions:
Retinoblastoma (RB1). Also called: RETINOBLASTOMA, SOMATIC. Identifiers: Orphanet 790, MedGen C0035335, MeSH D012175, MONDO:0008380, OMIM 180200, HP:0009919. Disease mechanism: loss of function. Inheritance: Both sporadic and heritable forms are tested..

Allele frequency attached by ClinVar (database versions not stated): gnomAD exomes below 0.00001.
gnomAD v4.1: 1 of 1,601,368 alleles (0.000062%); highest among the groups gnomAD compares: Non-Finnish European, 0.000086%; no homozygotes.

Submissions (2):

Labcorp Genetics (formerly Invitae), Labcorp
Classification: Pathogenic for Retinoblastoma. Last evaluated: 2024-09-01. Review status: criteria provided, single submitter. Criteria: Invitae Variant Classification Sherloc (09022015). Collection method: clinical testing. Allele origin: germline.
Comment: This sequence change affects an acceptor splice site in intron 1 of the RB1 gene. It is expected to disrupt RNA splicing. Variants that disrupt the donor or acceptor splice site typically lead to a loss of protein function (PMID: 16199547), and loss-of-function variants in RB1 are known to be pathogenic (PMID: 17096365). This variant is not present in population databases (gnomAD no frequency). Disruption of this splice site has been observed in individual(s) with bilateral retinoblastoma (PMID: 14722923, 33456302). In at least one individual the variant was observed to be de novo. Algorithms developed to predict the effect of sequence changes on RNA splicing suggest that this variant may disrupt the consensus splice site. For these reasons, this variant has been classified as Pathogenic.

Genetic Diagnostic Laboratory, University of Pennsylvania School of Medicine
Classification: Pathogenic for Retinoblastoma. Last evaluated: 2024-05-20. Review status: criteria provided, single submitter. Criteria: ACMG Guidelines, 2015. Collection method: clinical testing. Allele origin: germline. Affected: yes. Observed: 2 variant alleles.
Comment: Case and Pedigree Information: BILATERAL CASES:1, UNILATERAL CASES:1, TOTAL CASES:2, PEDIGREES:2. ACMG Codes Applied:PVS1, PM2

Literature cited by the submitters: PubMed 16199547 (cited by Labcorp Genetics (formerly Invitae), Labcorp); PubMed 17096365 (cited by Labcorp Genetics (formerly Invitae), Labcorp); PubMed 14722923 (cited by Labcorp Genetics (formerly Invitae), Labcorp); PubMed 33456302 (cited by Labcorp Genetics (formerly Invitae), Labcorp).

NM_000321.3(RB1):c.138-2A>G

Gene: RB1 (RB transcriptional corepressor 1; plus strand). Cytogenetic location: 13q14.2.
Variant type: single nucleotide variant.
Coding change: c.138-2A>G on transcript NM_000321.3 (MANE Select); the canonical splice acceptor site of the intron before coding-DNA position 138, A replaced by G.
Molecular consequence: splice acceptor variant.
Genome position (GRCh38, 1-based): chr13:48,307,278, A>G. VCF-style: chr13-48307278-A-G. GRCh37 (hg19) VCF-style: chr13-48881414-A-G.
Other names: c.138-2A>G (NM_001407165.1, NM_001407166.1, NM_001407167.1).
Identifiers: ClinVar variation 2736013 (VCV002736013.4), dbSNP rs2138033781, ClinGen allele CA388250414.